The following is an entry in ClinVar:

ClinVar aggregate classification (germline): Benign. Review status: criteria provided, multiple submitters, no conflicts (2 of 4 stars). 3 submissions from 3 submitters: Benign (2). 1 of the submissions does not count toward it. Last evaluated 2026-02-04.

Conditions:
CEP89-related disorder. Also called: CEP89-related condition.

Allele frequency attached by ClinVar (database versions not stated): gnomAD exomes 0.34198 and 0.38514; ESP Exome Variant Server 0.35007; ExAC 0.37839; TOPMed 0.38007; gnomAD 0.37005 and 0.37024; 1000 Genomes Project 0.39836; 1000 Genomes Project 30x 0.40381.
gnomAD v4.1: 553,446 of 1,606,874 alleles (34%); highest among the groups gnomAD compares: Admixed American, 55%; 98,065 homozygotes.

Submissions (3):

Labcorp Genetics (formerly Invitae), Labcorp
Classification: Benign. Last evaluated: 2026-02-04. Review status: criteria provided, single submitter. Criteria: Invitae Variant Classification Sherloc (09022015). Collection method: clinical testing. Allele origin: germline.

Breakthrough Genomics
Classification: Benign. Review status: criteria provided, single submitter. Criteria: ACMG Guidelines, 2015. Collection method: not provided. Allele origin: germline. Inheritance: Unknown mechanism. Affected: yes.

PreventionGenetics, part of Exact Sciences
Classification: Benign for CEP89-related condition. Last evaluated: 2023-01-25. Review status: no assertion criteria provided. Collection method: clinical testing. Allele origin: germline. Not counted in ClinVar's aggregate classification.
Comment: This variant is classified as benign based on ACMG/AMP sequence variant interpretation guidelines (Richards et al. 2015 PMID: 25741868, with internal and published modifications).

NM_032816.5(CEP89):c.306G>A (p.Arg102=)

Gene: CEP89 (centrosomal protein 89; minus strand). Cytogenetic location: 19q13.11.
Variant type: single nucleotide variant.
Coding change: c.306G>A on transcript NM_032816.5 (MANE Select); coding-DNA position 306, G replaced by A.
Protein change: p.Arg102=; no amino-acid change (arginine 102 retained).
Molecular consequence: synonymous variant.
Genome position (GRCh38, 1-based): chr19:32,953,801, C>T on the plus strand (G>A on the coding strand, the complement: CEP89 is on the minus strand). VCF-style: chr19-32953801-C-T. GRCh37 (hg19) VCF-style: chr19-33444707-C-T.
Other names: c.306G>A (NM_032816.4).
Identifiers: ClinVar variation 1571867 (VCV001571867.11), dbSNP rs10411735, ClinGen allele CA9359808.
Genomic context (GRCh38, chr19:32,953,801, plus strand): 5'-GTCCAGTGTTTCAAAGGATGGCAAAGAAGATCTTCTTCCCATCTCACTCTGCCAATTTGG[C>T]CTGTATTAGAATATTCATGGGGAAAACAAACAAAAAGTCACTTAACACTTGACACTGATA-3'
Protein context (NP_116205.3, residues 92-112): PYATTSQLRP[Arg102=]PNWQSEMGRR